The following is an entry in ClinVar:

NM_000065.5(C6):c.411G>T (p.Glu137Asp)

Gene: C6 (complement C6; minus strand). Cytogenetic location: 5p13.1.
Variant type: single nucleotide variant.
Coding change: c.411G>T on transcript NM_000065.5 (MANE Select); coding-DNA position 411, G replaced by T.
Protein change: p.Glu137Asp; replaces glutamic acid 137 with aspartic acid.
Molecular consequence: missense variant.
Genome position (GRCh38, 1-based): chr5:41,199,802, C>A on the plus strand (G>T on the coding strand, the complement: C6 is on the minus strand). VCF-style: chr5-41199802-C-A. GRCh37 (hg19) VCF-style: chr5-41199904-C-A.
Other names: c.411G>T, p.Glu137Asp (NM_001115131.4); short protein forms E137D.
Identifiers: ClinVar variation 2182765 (VCV002182765.2), dbSNP rs142045537, ClinGen allele CA3252809.
Genomic context (GRCh38, chr5:41,199,802, plus strand): 5'-CTGAACATTTCACAAAAATACATTACCACTGTCACAGCGAAATTTATTCTTGCAGTCAGC[C>A]TCTTCAATTTTGCAGAGCTTAGATGGAATGCATGGTTGAAAGGCTACCAGAGGCGCAGTG-3'
Protein context (NP_000056.2, residues 127-147): CIPSKLCKIE[Glu137Asp]ADCKNKFRCD

ClinVar aggregate classification (germline): Uncertain significance. Review status: criteria provided, multiple submitters, no conflicts (2 of 4 stars). 2 submissions from 2 submitters: Uncertain significance (2). Last evaluated 2025-05-17.

Conditions:
Inborn genetic diseases. Identifiers: MedGen C0950123, MeSH D030342.

Allele frequency attached by ClinVar (database versions not stated): ExAC 0.00003; ESP Exome Variant Server 0.00015; gnomAD 0.00009; TOPMed 0.00008.
gnomAD v4.1: 61 of 1,613,694 alleles (0.0038%); highest among the groups gnomAD compares: Admixed American, 0.012%; no homozygotes.

Submissions (2):

Ambry Genetics
Classification: Uncertain significance for Inborn genetic diseases. Last evaluated: 2025-05-17. Review status: criteria provided, single submitter. Criteria: Ambry Variant Classification Scheme 2023. Collection method: clinical testing. Allele origin: germline.

Labcorp Genetics (formerly Invitae), Labcorp
Classification: Uncertain significance. Last evaluated: 2022-07-27. Review status: criteria provided, single submitter. Criteria: Invitae Variant Classification Sherloc (09022015). Collection method: clinical testing. Allele origin: germline.
Comment: This sequence change replaces glutamic acid, which is acidic and polar, with aspartic acid, which is acidic and polar, at codon 137 of the C6 protein (p.Glu137Asp). The frequency data for this variant in the population databases is considered unreliable, as metrics indicate poor data quality at this position in the gnomAD database. This variant has not been reported in the literature in individuals affected with C6-related conditions. Algorithms developed to predict the effect of missense changes on protein structure and function output the following: SIFT: "Tolerated"; PolyPhen-2: "Benign"; Align-GVGD: "Class C0". The aspartic acid amino acid residue is found in multiple mammalian species, which suggests that this missense change does not adversely affect protein function. In summary, the available evidence is currently insufficient to determine the role of this variant in disease. Therefore, it has been classified as a Variant of Uncertain Significance.